The following is an entry in ClinVar:

ClinVar aggregate classification (germline): Uncertain significance (1 of 4 stars; one submission).

Conditions:
Microcephaly-intellectual disability-sensorineural hearing loss-epilepsy-abnormal muscle tone syndrome (NEDHSB). Also called: NEURODEVELOPMENTAL DISORDER WITH HEARING LOSS, SEIZURES, AND BRAIN ABNORMALITIES. Identifiers: Orphanet 457351, MedGen C4225276, MONDO:0014698, OMIM 616577.

Submission:

Labcorp Genetics (formerly Invitae), Labcorp
Classification: Uncertain significance for Microcephaly-intellectual disability-sensorineural hearing loss-epilepsy-abnormal muscle tone syndrome. Last evaluated: 2022-07-23. Review status: criteria provided, single submitter. Criteria: Invitae Variant Classification Sherloc (09022015). Collection method: clinical testing. Allele origin: germline.
Comment: This variant is not present in population databases (gnomAD no frequency). This variant has not been reported in the literature in individuals affected with SPATA5-related conditions. Algorithms developed to predict the effect of missense changes on protein structure and function (SIFT, PolyPhen-2, Align-GVGD) all suggest that this variant is likely to be disruptive. In summary, the available evidence is currently insufficient to determine the role of this variant in disease. Therefore, it has been classified as a Variant of Uncertain Significance. This sequence change replaces serine, which is neutral and polar, with threonine, which is neutral and polar, at codon 250 of the SPATA5 protein (p.Ser250Thr).

NM_145207.3(AFG2A):c.749G>C (p.Ser250Thr)

Gene: AFG2A (AAA ATPase AFG2A; plus strand). Cytogenetic location: 4q28.1.
Variant type: single nucleotide variant.
Coding change: c.749G>C on transcript NM_145207.3 (MANE Select); coding-DNA position 749, G replaced by C.
Protein change: p.Ser250Thr; replaces serine 250 with threonine.
Molecular consequence: missense variant.
Genome position (GRCh38, 1-based): chr4:122,934,340, G>C. VCF-style: chr4-122934340-G-C. GRCh37 (hg19) VCF-style: chr4-123855495-G-C.
Other names: c.746G>C, p.Ser249Thr (NM_001317799.2, NM_001345856.2); short protein forms S249T, S250T.
Identifiers: ClinVar variation 2118085 (VCV002118085.3), dbSNP rs1281527178, ClinGen allele CA358101960.